The following is an entry in ClinVar:

NM_002617.4(PEX10):c.68G>A (p.Gly23Asp)

Gene: PEX10 (peroxisomal biogenesis factor 10; minus strand). Cytogenetic location: 1p36.32.
Variant type: single nucleotide variant.
Coding change: c.68G>A on transcript NM_002617.4 (MANE Select); coding-DNA position 68, G replaced by A.
Protein change: p.Gly23Asp; replaces glycine 23 with aspartic acid.
Molecular consequence: missense variant. On other transcripts: intron variant (2).
Genome position (GRCh38, 1-based): chr1:2,412,435, C>T on the plus strand (G>A on the coding strand, the complement: PEX10 is on the minus strand). VCF-style: chr1-2412435-C-T. GRCh37 (hg19) VCF-style: chr1-2343874-C-T.
Other names: c.68G>A, p.Gly23Asp (NM_001374425.1, NM_153818.2); c.-321+1162G>A (NM_001374427.1, NM_001374426.1); short protein forms G23D.
Identifiers: ClinVar variation 1494556 (VCV001494556.6), dbSNP rs753786568, ClinGen allele CA538312.

ClinVar aggregate classification (germline): Uncertain significance (1 of 4 stars; one submission).

Conditions:
Peroxisome biogenesis disorder, complementation group 7 (CG7). Also called: Peroxisome biogenesis disorder, complementation group B. Identifiers: MedGen C1864399.

gnomAD v4.1: 1 of 1,428,288 alleles (0.00007%); highest among the groups gnomAD compares: South Asian, 0.0014%; no homozygotes.

Submission:

Labcorp Genetics (formerly Invitae), Labcorp
Classification: Uncertain significance for Peroxisome biogenesis disorder, complementation group 7. Last evaluated: 2022-07-12. Review status: criteria provided, single submitter. Criteria: Invitae Variant Classification Sherloc (09022015). Collection method: clinical testing. Allele origin: germline.
Comment: This sequence change replaces glycine, which is neutral and non-polar, with aspartic acid, which is acidic and polar, at codon 23 of the PEX10 protein (p.Gly23Asp). This variant is not present in population databases (gnomAD no frequency). This variant has not been reported in the literature in individuals affected with PEX10-related conditions. ClinVar contains an entry for this variant (Variation ID: 1494556). Algorithms developed to predict the effect of missense changes on protein structure and function (SIFT, PolyPhen-2, Align-GVGD) all suggest that this variant is likely to be tolerated. Algorithms developed to predict the effect of sequence changes on RNA splicing suggest that this variant may disrupt the consensus splice site. In summary, the available evidence is currently insufficient to determine the role of this variant in disease. Therefore, it has been classified as a Variant of Uncertain Significance.